The following is an entry in ClinVar:

ClinVar aggregate classification (germline): Uncertain significance (1 of 4 stars; one submission).

Conditions:
KMT2D-related disorder. Also called: KMT2D-Related Disorders.

Submission:

PreventionGenetics, part of Exact Sciences
Classification: Uncertain significance for KMT2D-related condition. Last evaluated: 2025-08-13. Review status: criteria provided, single submitter. Criteria: ACMG Guidelines, 2015. Collection method: clinical testing. Allele origin: germline.
Comment: The KMT2D c.13117G>T variant is predicted to result in the amino acid substitution p.Gly4373Cys. To our knowledge, this variant has not been reported in the literature. This variant is reported in 0.0063% of alleles in individuals of East Asian descent in gnomAD. At this time, the clinical significance of this variant is uncertain due to the absence of conclusive functional and genetic evidence.

NM_003482.4(KMT2D):c.13117G>T (p.Gly4373Cys)

Gene: KMT2D (lysine methyltransferase 2D; minus strand). Cytogenetic location: 12q13.12.
Variant type: single nucleotide variant.
Coding change: c.13117G>T on transcript NM_003482.4 (MANE Select); coding-DNA position 13117, G replaced by T.
Protein change: p.Gly4373Cys; replaces glycine 4373 with cysteine.
Molecular consequence: missense variant.
Genome position (GRCh38, 1-based): chr12:49,031,588, C>A on the plus strand (G>T on the coding strand, the complement: KMT2D is on the minus strand). VCF-style: chr12-49031588-C-A. GRCh37 (hg19) VCF-style: chr12-49425371-C-A.
Other names: short protein forms G4373C.
Identifiers: ClinVar variation 4993757 (VCV004993757.1).